The following is an entry in ClinVar:

ClinVar aggregate classification (germline): Likely pathogenic (1 of 4 stars; one submission).

Conditions:
Neuromuscular disease caused by qualitative or quantitative defects of dysferlin. Also called: Dysferlinopathy; Qualitative or quantitative defects of dysferlin. Identifiers: Orphanet 207073, MedGen C2931687, MONDO:0016145.

Submission:

Labcorp Genetics (formerly Invitae), Labcorp
Classification: Likely pathogenic for Neuromuscular disease caused by qualitative or quantitative defects of dysferlin. Last evaluated: 2024-03-18. Review status: criteria provided, single submitter. Criteria: Invitae Variant Classification Sherloc (09022015). Collection method: clinical testing. Allele origin: germline.
Comment: This sequence change affects an acceptor splice site in intron 29 of the DYSF gene. It is expected to disrupt RNA splicing. Variants that disrupt the donor or acceptor splice site typically lead to a loss of protein function (PMID: 16199547), and loss-of-function variants in DYSF are known to be pathogenic (PMID: 17698709, 20301480). This variant is not present in population databases (gnomAD no frequency). This variant has not been reported in the literature in individuals affected with DYSF-related conditions. Algorithms developed to predict the effect of sequence changes on RNA splicing suggest that this variant may disrupt the consensus splice site. In summary, the currently available evidence indicates that the variant is pathogenic, but additional data are needed to prove that conclusively. Therefore, this variant has been classified as Likely Pathogenic.

Literature cited by the submitters: PubMed 16199547; PubMed 17698709; PubMed 20301480.

NM_001130987.2(DYSF):c.3229-1G>A

Gene: DYSF (dysferlin; plus strand). Cytogenetic location: 2p13.2.
Variant type: single nucleotide variant.
Coding change: c.3229-1G>A on transcript NM_001130987.2 (MANE Select); the canonical splice acceptor site of the intron before coding-DNA position 3229, G replaced by A.
Molecular consequence: splice acceptor variant.
Genome position (GRCh38, 1-based): chr2:71,574,197, G>A. VCF-style: chr2-71574197-G-A. GRCh37 (hg19) VCF-style: chr2-71801327-G-A.
Other names: c.3268-1G>A (NM_001130979.2); c.3226-1G>A (NM_001130981.2, NM_001130980.2); c.3175-1G>A (NM_001130978.2, NM_003494.4); c.3133-1G>A (NM_001130977.2, NM_001130976.2); c.3271-1G>A (NM_001130982.2); c.3229-1G>A (NM_001130985.2); c.3178-1G>A (NM_001130983.2, NM_001130455.2); c.3136-1G>A (NM_001130984.2, NM_001130986.2).
Identifiers: ClinVar variation 3684114 (VCV003684114.2).